The following is an entry in ClinVar:

NM_032383.5(HPS3):c.2385delinsGTGTATAAGAGA (p.Gln796fs)

Genes: CP (ceruloplasmin; minus strand), HPS3 (HPS3 biogenesis of lysosomal organelles complex 2 subunit 1; plus strand). Cytogenetic location: 3q24.
Variant type: Indel.
Coding change: c.2385delinsGTGTATAAGAGA on transcript NM_032383.5 (MANE Select); coding-DNA position 2385, T replaced by GTGTATAAGAGA.
Protein change: p.Gln796fs; shifts the reading frame from glutamine 796.
Molecular consequence: frameshift variant. On other transcripts: non-coding transcript variant (1).
Genome position (GRCh38, 1-based): chr3:149,162,782, T replaced by GTGTATAAGAGA. VCF-style: chr3-149162782-T-GTGTATAAGAGA. GRCh37 (hg19) VCF-style: chr3-148880569-T-GTGTATAAGAGA.
Other names: c.1890delinsGTGTATAAGAGA, p.Gln631fs (NM_001308258.2); short protein forms Q631fs, Q796fs.
Identifiers: ClinVar variation 5010506 (VCV005010506.1).
Genomic context (GRCh38, chr3:149,162,782, plus strand): 5'-TCAGCTCTTGGTAGACTTTTGGGAAGCTCAGCTAGTGGCATGTCTCCCAGATGTGGTACT[T>GTGTATAAGAGA]CAGGAACTCTTTTTCAAACTCACATCACAGTACATCTGGAGATTGTCTAAGAGGCAGCCT-3'

ClinVar aggregate classification (germline): Pathogenic (1 of 4 stars; one submission).

Conditions:
Hermansky-Pudlak syndrome 3 (HPS3). Identifiers: Orphanet 231512, Orphanet 79430, MedGen C3888001, MONDO:0013555, OMIM 614072.

Submission:

Myriad Genetics, Inc.
Classification: Pathogenic for Hermansky-Pudlak syndrome 3. Last evaluated: 2024-05-14. Review status: criteria provided, single submitter. Criteria: Myriad Autosomal Dominant, Autosomal Recessive and X-Linked Classification Criteria (2023). Collection method: clinical testing. Allele origin: unknown.
Comment: NM_032383.3(HPS3):c.2385del1ins12(Q796Cfs*36) is expected to be pathogenic in the context of Hermansky-Pudlak syndrome, HPS3-related. This variant is predicted to lead to an abnormal or absent protein product due to the creation of a premature termination codon in HPS3, a gene where loss-of-function variants are known to be pathogenic. Please note: this variant was assessed in the context of healthy population screening.